The following is an entry in ClinVar:

NM_001005242.3(PKP2):c.1169G>C (p.Arg390Thr)

Gene: PKP2 (plakophilin 2; minus strand). Cytogenetic location: 12p11.21.
Variant type: single nucleotide variant.
Coding change: c.1169G>C on transcript NM_001005242.3 (MANE Select); coding-DNA position 1169, G replaced by C.
Protein change: p.Arg390Thr; replaces arginine 390 with threonine.
Molecular consequence: missense variant.
Genome position (GRCh38, 1-based): chr12:32,868,928, C>G on the plus strand (G>C on the coding strand, the complement: PKP2 is on the minus strand). VCF-style: chr12-32868928-C-G. GRCh37 (hg19) VCF-style: chr12-33021862-C-G.
Other names: c.842G>C, p.Arg281Thr (NM_001407158.1, NM_001407159.1, NM_001407160.1 and 1 more transcripts); c.1169G>C, p.Arg390Thr (NM_001407161.1, NM_004572.4, NM_001407155.1 and 2 more transcripts); short protein forms R281T, R390T.
Identifiers: ClinVar variation 3387487 (VCV003387487.1).
Genomic context (GRCh38, chr12:32,868,928, plus strand): 5'-TCACCATAATAGAAGTGAAAGTGTGTTGCGCTTTGCAATGGACTGAAGATGACACTCACC[C>G]TCTTCCGAGCTTCAGATTTCTGGAAGCACTCGTGCTGTATGAAAGTAGCTGCAGCAGAAA-3'
Protein context (NP_001005242.2, residues 380-400): ECFQKSEARK[Arg390Thr]VNQLRGILKL

ClinVar aggregate classification (germline): Uncertain significance (1 of 4 stars; one submission).

Conditions:
Arrhythmogenic right ventricular cardiomyopathy (ARVD). Also called: Arrhythmogenic right ventricular dysplasia; Cardiomyopathy, ARVC; Arrhythmogenic cardiomyopathy; Arrhythmogenic Right Ventricular Cardiomyopathy (ARVC). Identifiers: Orphanet 247, MedGen C0349788, MeSH D019571, MONDO:0016587. Disease mechanism: loss of function. Inheritance: Various modes of inheritance.

gnomAD v4.1: 1 of 1,612,716 alleles (0.000062%); highest among the groups gnomAD compares: Non-Finnish European, 0.000085%; no homozygotes.

Submission:

All of Us Research Program, National Institutes of Health
Classification: Uncertain significance for Arrhythmogenic right ventricular cardiomyopathy. Last evaluated: 2024-05-14. Review status: criteria provided, single submitter. Criteria: ACMG Guidelines, 2015. Collection method: clinical testing. Allele origin: germline. Inheritance: Autosomal dominant inheritance. Observed: 1 variant allele, 1 heterozygote.
Comment: This missense variant replaces arginine with threonine at codon 390 of the PKP2 protein. Computational prediction suggests that this variant may not impact protein structure and function (internally defined REVEL score threshold <= 0.5, PMID: 27666373). To our knowledge, functional studies have not been reported for this variant. This variant has not been reported in individuals affected with PKP2-related disorders in the literature. This variant has been identified in 1/251340 chromosomes in the general population by the Genome Aggregation Database (gnomAD). The available evidence is insufficient to determine the role of this variant in disease conclusively. Therefore, this variant is classified as a Variant of Uncertain Significance.

This study involves interpretation of variants in research participants for the purpose of population health screening. Participant phenotype was not available at the time of variant classification. Additional details can be found in publication PMID: 35346344, PMCID: PMC8962531